The following is an entry in ClinVar:

ClinVar aggregate classification (germline): Uncertain significance (1 of 4 stars; one submission).

Allele frequency attached by ClinVar (database versions not stated): TOPMed 0.00001; gnomAD 0.00002.

Submission:

Labcorp Genetics (formerly Invitae), Labcorp
Classification: Uncertain significance. Last evaluated: 2024-03-28. Review status: criteria provided, single submitter. Criteria: Invitae Variant Classification Sherloc (09022015). Collection method: clinical testing. Allele origin: germline.
Comment: This sequence change replaces arginine, which is basic and polar, with cysteine, which is neutral and slightly polar, at codon 199 of the FCHO1 protein (p.Arg199Cys). This variant is not present in population databases (gnomAD no frequency). This variant has not been reported in the literature in individuals affected with FCHO1-related conditions. ClinVar contains an entry for this variant (Variation ID: 1489906). An algorithm developed to predict the effect of missense changes on protein structure and function (PolyPhen-2) suggests that this variant¬†is likely to be tolerated. In summary, the available evidence is currently insufficient to determine the role of this variant in disease. Therefore, it has been classified as a Variant of Uncertain Significance.

NM_015122.3(FCHO1):c.595C>T (p.Arg199Cys)

Gene: FCHO1 (FCH and mu domain containing endocytic adaptor 1; plus strand). Cytogenetic location: 19p13.11.
Variant type: single nucleotide variant.
Coding change: c.595C>T on transcript NM_015122.3 (MANE Select); coding-DNA position 595, C replaced by T.
Protein change: p.Arg199Cys; replaces arginine 199 with cysteine.
Molecular consequence: missense variant. On other transcripts: non-coding transcript variant (36).
Genome position (GRCh38, 1-based): chr19:17,772,457, C>T. VCF-style: chr19-17772457-C-T. GRCh37 (hg19) VCF-style: chr19-17883266-C-T.
Other names: c.595C>T, p.Arg199Cys (NM_001161357.2, NM_001161358.2, NM_001384370.1 and 26 more transcripts); c.445C>T, p.Arg149Cys (NM_001161359.2, NM_001384384.1, NM_001384385.1 and 3 more transcripts); c.556C>T, p.Arg186Cys (NM_001384388.1, NM_001384389.1, NM_001384405.1); c.520C>T, p.Arg174Cys (NM_001384390.1); short protein forms R186C, R149C, R174C, R199C.
Identifiers: ClinVar variation 1489906 (VCV001489906.7), dbSNP rs867511648, ClinGen allele CA404749605.
Genomic context (GRCh38, chr19:17,772,457, plus strand): 5'-TATGGCCACTTCTTCTTGGCCCTGACCTCCTTTCCACCTGCCTCTGCCCTCCTGCTTCAG[C>T]GCTTCCAAGCCATGGAGGAGACACACCTGAGGCACATGAAGGCACTGCTGGGCTCATATG-3'
Protein context (NP_055937.1, residues 189-209): FEQKMLDSAL[Arg199Cys]FQAMEETHLR